The following is an entry in ClinVar:

NM_001048174.2(MUTYH):c.1010A>C (p.Lys337Thr)

Gene: MUTYH (mutY DNA glycosylase; minus strand). Cytogenetic location: 1p34.1.
Variant type: single nucleotide variant.
Coding change: c.1010A>C on transcript NM_001048174.2 (MANE Select); coding-DNA position 1010, A replaced by C.
Protein change: p.Lys337Thr; replaces lysine 337 with threonine.
Molecular consequence: missense variant. On other transcripts: non-coding transcript variant (7).
Genome position (GRCh38, 1-based): chr1:45,331,753, T>G on the plus strand (A>C on the coding strand, the complement: MUTYH is on the minus strand). VCF-style: chr1-45331753-T-G. GRCh37 (hg19) VCF-style: chr1-45797425-T-G.
Other names: c.1010A>C, p.Lys337Thr (NM_001048171.2, NM_001048173.2, NM_001407070.1 and 6 more transcripts); c.1013A>C, p.Lys338Thr (NM_001048172.2, NM_001407071.1, NM_001407078.1 and 1 more transcripts); c.926A>C, p.Lys309Thr (NM_001407075.1); c.1043A>C, p.Lys348Thr (NM_001407077.1, NM_001293191.2, NM_001407069.1); c.971A>C, p.Lys324Thr (NM_001407079.1); c.968A>C, p.Lys323Thr (NM_001407080.1); c.1094A>C, p.Lys365Thr (NM_001128425.2); c.1055A>C, p.Lys352Thr (NM_001293190.2); and 5 more; short protein forms K245T, K337T, K344T, K222T, K351T, K352T, K365T, K323T.
Identifiers: ClinVar variation 4113009 (VCV004113009.1).

ClinVar aggregate classification (germline): Uncertain significance (1 of 4 stars; one submission).

Conditions:
Hereditary cancer-predisposing syndrome. Also called: Tumor predisposition; Neoplastic Syndromes, Hereditary; Hereditary neoplastic syndrome; Hereditary Cancer Syndrome. Identifiers: Orphanet 140162, MedGen C0027672, MeSH D009386, MONDO:0015356.

Submission:

Ambry Genetics
Classification: Uncertain significance for Hereditary cancer-predisposing syndrome. Last evaluated: 2025-08-27. Review status: criteria provided, single submitter. Criteria: Ambry Variant Classification Scheme 2023. Collection method: clinical testing. Allele origin: germline.
Comment: The p.K365T variant (also known as c.1094A>C), located in coding exon 12 of the MUTYH gene, results from an A to C substitution at nucleotide position 1094. The lysine at codon 365 is replaced by threonine, an amino acid with similar properties. This amino acid position is conserved. In addition, this alteration is predicted to be tolerated by in silico analysis. Based on the available evidence, the clinical significance of this variant remains unclear.